The following is an entry in ClinVar:

ClinVar aggregate classification (germline): Uncertain significance. Review status: criteria provided, multiple submitters, no conflicts (2 of 4 stars). 2 submissions from 2 submitters: Uncertain significance (2). Last evaluated 2026-08-13.

Conditions:
Inborn genetic diseases. Identifiers: MedGen C0950123, MeSH D030342.

Allele frequency attached by ClinVar (database versions not stated): gnomAD 0.00002; gnomAD exomes below 0.00001; 1000 Genomes Project 30x 0.00016.
gnomAD v4.1: 23 of 1,585,952 alleles (0.0015%); highest among the groups gnomAD compares: African/African-American, 0.012%; no homozygotes.

Submissions (2):

Ambry Genetics
Classification: Uncertain significance for Inborn genetic diseases. Last evaluated: 2026-08-13. Review status: criteria provided, single submitter. Criteria: Ambry Variant Classification Scheme 2023. Collection method: clinical testing. Allele origin: germline.

Labcorp Genetics (formerly Invitae), Labcorp
Classification: Uncertain significance. Last evaluated: 2023-08-04. Review status: criteria provided, single submitter. Criteria: Invitae Variant Classification Sherloc (09022015). Collection method: clinical testing. Allele origin: germline.
Comment: This sequence change replaces isoleucine, which is neutral and non-polar, with phenylalanine, which is neutral and non-polar, at codon 482 of the PAX1 protein (p.Ile482Phe). In summary, the available evidence is currently insufficient to determine the role of this variant in disease. Therefore, it has been classified as a Variant of Uncertain Significance. An algorithm developed to predict the effect of missense changes on protein structure and function (PolyPhen-2) suggests that this variant¬†is likely to be tolerated. ClinVar contains an entry for this variant (Variation ID: 1900371). This variant has not been reported in the literature in individuals affected with PAX1-related conditions. This variant is not present in population databases (gnomAD no frequency).

NM_001257096.2(PAX1):c.*80A>T

Gene: PAX1 (paired box 1; plus strand). Cytogenetic location: 20p11.22.
Variant type: single nucleotide variant.
Coding change: c.*80A>T on transcript NM_001257096.2 (MANE Select); 80 bases downstream of the stop codon, A replaced by T.
Molecular consequence: 3 prime UTR variant. On other transcripts: missense variant (1).
Genome position (GRCh38, 1-based): chr20:21,714,642, A>T. VCF-style: chr20-21714642-A-T. GRCh37 (hg19) VCF-style: chr20-21695280-A-T.
Other names: c.1444A>T (NM_006192.3); c.1444A>T, p.Ile482Phe (NM_006192.5); short protein forms I482F.
Identifiers: ClinVar variation 1900371 (VCV001900371.5), dbSNP rs111780545, ClinGen allele CA313028377.